The following is an entry in ClinVar:

NM_001206927.2(DNAH8):c.13748G>T (p.Arg4583Leu)

Gene: DNAH8 (dynein axonemal heavy chain 8; plus strand). Cytogenetic location: 6p21.2.
Variant type: single nucleotide variant.
Coding change: c.13748G>T on transcript NM_001206927.2 (MANE Select); coding-DNA position 13748, G replaced by T.
Protein change: p.Arg4583Leu; replaces arginine 4583 with leucine.
Molecular consequence: missense variant.
Genome position (GRCh38, 1-based): chr6:39,026,579, G>T. VCF-style: chr6-39026579-G-T. GRCh37 (hg19) VCF-style: chr6-38994355-G-T.
Other names: c.13097G>T, p.Arg4366Leu (NM_001371.4); short protein forms R4583L, R4366L.
Identifiers: ClinVar variation 414399 (VCV000414399.14), dbSNP rs139227429, ClinGen allele CA3791761.
Genomic context (GRCh38, chr6:39,026,579, plus strand): 5'-TCAACATCTCTTCTTTTTTTCTTTAAGGCTTCCTCACAGCAATGAGGCAAGAAGTGACCC[G>T]TGCCCACAAAGGCTGGGCACTGGACACTGTGACCATCCACAATGAAGTTCTGAGACAGAC-3'
Protein context (NP_001193856.1, residues 4573-4593): FLTAMRQEVT[Arg4583Leu]AHKGWALDTV

ClinVar aggregate classification (germline): Likely benign. Review status: criteria provided, single submitter (1 of 4 stars). 2 submissions from 2 submitters: Likely benign (1). 1 of the submissions does not count toward it. Last evaluated 2025-12-11.

Conditions:
DNAH8-related disorder. Also called: DNAH8-related condition.
Primary ciliary dyskinesia. Also called: Ciliary dyskinesia. Identifiers: Orphanet 244, MedGen C0008780, MONDO:0016575, HP:0012265.

Allele frequency attached by ClinVar (database versions not stated): ESP Exome Variant Server 0.00008; TOPMed 0.00032; 1000 Genomes Project 30x 0.00078; 1000 Genomes Project 0.00100.
gnomAD v4.1: 151 of 1,613,086 alleles (0.0094%); highest among the groups gnomAD compares: East Asian, 0.24%; no homozygotes.

Submissions (2):

Labcorp Genetics (formerly Invitae), Labcorp
Classification: Likely benign for Primary ciliary dyskinesia. Last evaluated: 2025-12-11. Review status: criteria provided, single submitter. Criteria: Invitae Variant Classification Sherloc (09022015). Collection method: clinical testing. Allele origin: germline.

PreventionGenetics, part of Exact Sciences
Classification: Likely benign for DNAH8-related condition. Last evaluated: 2022-04-14. Review status: no assertion criteria provided. Collection method: clinical testing. Allele origin: germline. Not counted in ClinVar's aggregate classification.
Comment: This variant is classified as likely benign based on ACMG/AMP sequence variant interpretation guidelines (Richards et al. 2015 PMID: 25741868, with internal and published modifications).